The following is an entry in ClinVar:

NM_138694.4(PKHD1):c.6437_6440del (p.Thr2146fs)

Gene: PKHD1 (PKHD1 ciliary IPT domain containing fibrocystin/polyductin; minus strand). Cytogenetic location: 6p12.2.
Variant type: Deletion.
Coding change: c.6437_6440del on transcript NM_138694.4 (MANE Select); coding-DNA positions 6437 to 6440, 4 bases deleted (CTAA; older notation c.6437_6440delCTAA).
Protein change: p.Thr2146fs; shifts the reading frame from threonine 2146.
Molecular consequence: frameshift variant.
Genome position (GRCh38, 1-based): chr6:51,911,849-51,911,852, TTAG deleted on the plus strand (CTAA on the coding strand, the reverse complement: PKHD1 is on the minus strand); deleting any 4 consecutive bases within chr6:51,911,849-51,911,853 gives the same sequence; the c. name uses the placement nearest the transcript's 3' end. VCF-style (leftmost placement, unchanged base first): chr6-51911848-ATTAG-A. GRCh37 (hg19) VCF-style: chr6-51776646-ATTAG-A.
Other names: c.6437_6440delCTAA (NM_138694.3); c.6437_6440del, p.Thr2146fs (NM_170724.3); short protein forms T2146fs.
Identifiers: ClinVar variation 2155612 (VCV002155612.7), dbSNP rs1782991463, ClinGen allele CA1628582930.

ClinVar aggregate classification (germline): Pathogenic/Likely pathogenic. Review status: criteria provided, multiple submitters, no conflicts (2 of 4 stars). 2 submissions from 2 submitters: Pathogenic (1); Likely pathogenic (1). Last evaluated 2026-01-29.

Conditions:
Autosomal recessive polycystic kidney disease (ARPKD). Also called: AR polycystic kidney disease. Identifiers: Orphanet 731, Orphanet 8378, MedGen C0085548, MeSH D017044, MONDO:0009889.

Submissions (2):

Natera, Inc.
Classification: Likely pathogenic for Autosomal recessive polycystic kidney disease. Last evaluated: 2026-01-29. Review status: criteria provided, single submitter. Criteria: Natera Variant Classification Schema (03/2026). Collection method: clinical testing. Allele origin: germline.
Comment: The c.6437_6440delCTAA variant in PKHD1 is a frameshift variant predicted to shift the reading frame beginning at codon 2146 and leads to a stop codon 27 codons downstream. This variant is expected to result in nonsense mediated decay, truncation, or a dysfunctional protein product. This variant is rare in the general population with a frequency below the threshold expected for the associated phenotype(s). Given the available evidence, this variant is classified as Likely Pathogenic.

Labcorp Genetics (formerly Invitae), Labcorp
Classification: Pathogenic for Autosomal recessive polycystic kidney disease. Last evaluated: 2024-02-01. Review status: criteria provided, single submitter. Criteria: Invitae Variant Classification Sherloc (09022015). Collection method: clinical testing. Allele origin: germline.
Comment: This sequence change creates a premature translational stop signal (p.Thr2146Metfs*27) in the PKHD1 gene. It is expected to result in an absent or disrupted protein product. Loss-of-function variants in PKHD1 are known to be pathogenic (PMID: 19940839). This variant is not present in population databases (gnomAD no frequency). This variant has not been reported in the literature in individuals affected with PKHD1-related conditions. ClinVar contains an entry for this variant (Variation ID: 2155612). For these reasons, this variant has been classified as Pathogenic.

Literature cited by the submitters: PubMed 19940839 (cited by Labcorp Genetics (formerly Invitae), Labcorp).